The following is an entry in ClinVar:

NM_001844.5(COL2A1):c.3023G>T (p.Gly1008Val)

Gene: COL2A1 (collagen type II alpha 1 chain; minus strand). Cytogenetic location: 12q13.11.
Variant type: single nucleotide variant.
Coding change: c.3023G>T on transcript NM_001844.5 (MANE Select); coding-DNA position 3023, G replaced by T.
Protein change: p.Gly1008Val; replaces glycine 1008 with valine.
Molecular consequence: missense variant.
Genome position (GRCh38, 1-based): chr12:47,978,098, C>A on the plus strand (G>T on the coding strand, the complement: COL2A1 is on the minus strand). VCF-style: chr12-47978098-C-A. GRCh37 (hg19) VCF-style: chr12-48371881-C-A.
Other names: c.2816G>T, p.Gly939Val (NM_033150.3); short protein forms G1008V, G939V.
Identifiers: ClinVar variation 374042 (VCV000374042.8), dbSNP rs765795867, ClinGen allele CA16043471.
Genomic context (GRCh38, chr12:47,978,098, plus strand): 5'-GTCAGGCCAGGAGGACCCACGGGGCCAGGAGGACCTCTGTCTCCAGATGCTCCAGGAGCA[C>A]CCTGCTTGCCGGGCTCACCCTGGAGGGACAGAGACAAGGATGATGAGTGCAAGTGGTAAG-3'
Protein context (NP_001835.3, residues 998-1018): PGPSGEPGKQ[Gly1008Val]APGASGDRGP

ClinVar aggregate classification (germline): Pathogenic. Review status: criteria provided, multiple submitters, no conflicts (2 of 4 stars). 3 submissions from 2 submitters: Pathogenic (3). Last evaluated 2022-01-31.

Conditions:
Achondrogenesis type II (ACG2). Also called: ACHONDROGENESIS, LANGER-SALDINO TYPE; CHONDROGENESIS IMPERFECTA. Identifiers: Orphanet 932, Orphanet 93296, MedGen C0220685, MONDO:0008702, OMIM 200610.
Short ribs. Identifiers: MedGen C0426817, HP:0000773.
Absent vertebral body mineralization. Identifiers: MedGen C1860191, HP:0004605.

Submissions (3):

Labcorp Genetics (formerly Invitae), Labcorp
Classification: Pathogenic. Last evaluated: 2022-01-31. Review status: criteria provided, single submitter. Criteria: Invitae Variant Classification Sherloc (09022015). Collection method: clinical testing. Allele origin: germline.
Comment: For these reasons, this variant has been classified as Pathogenic. This variant disrupts the triple helix domain of COL2A1. Glycine residues within the Gly-Xaa-Yaa repeats of the triple helix domain are required for the structure and stability of fibrillar collagens (PMID: 7695699, 8218237, 19344236). In COL2A1, variants affecting these glycine residues are significantly enriched in individuals with disease (PMID: 9016532, 17078022) compared to the general population (ExAC). Advanced modeling of protein sequence and biophysical properties (such as structural, functional, and spatial information, amino acid conservation, physicochemical variation, residue mobility, and thermodynamic stability) performed at Invitae indicates that this missense variant is expected to disrupt COL2A1 protein function. ClinVar contains an entry for this variant (Variation ID: 374042). This missense change has been observed in individual(s) with Stickler syndrome (PMID: 29620724). In at least one individual the variant was observed to be de novo. This variant is not present in population databases (gnomAD no frequency). This sequence change replaces glycine, which is neutral and non-polar, with valine, which is neutral and non-polar, at codon 1008 of the COL2A1 protein (p.Gly1008Val).

Centre for Mendelian Genomics, University Medical Centre Ljubljana
Classification: Pathogenic for Achondrogenesis type II. Last evaluated: 2016-01-01. Review status: criteria provided, single submitter. Criteria: ACMG Guidelines, 2015. Collection method: clinical testing. Allele origin: unknown. Affected: yes.
Comment: This variant was classified as: Pathogenic.

Centre for Mendelian Genomics, University Medical Centre Ljubljana
Classification: Pathogenic for Absent vertebral body mineralization; Short ribs. Last evaluated: 2015-11-10. Review status: criteria provided, single submitter. Criteria: ACMG Guidelines, 2015. Collection method: clinical testing. Allele origin: unknown. Affected: yes.

Literature cited by the submitters: PubMed 7695699 (cited by Labcorp Genetics (formerly Invitae), Labcorp); PubMed 8218237 (cited by Labcorp Genetics (formerly Invitae), Labcorp); PubMed 19344236 (cited by Labcorp Genetics (formerly Invitae), Labcorp); PubMed 9016532 (cited by Labcorp Genetics (formerly Invitae), Labcorp); PubMed 17078022 (cited by Labcorp Genetics (formerly Invitae), Labcorp); PubMed 29620724 (cited by Labcorp Genetics (formerly Invitae), Labcorp).